The following is an entry in ClinVar:

ClinVar aggregate classification (germline): Uncertain significance (1 of 4 stars; one submission).

Conditions:
Myofibrillar myopathy 3 (MFM3). Also called: Muscular dystrophy, proximal, type 1A; Autosomal dominant spheroid body myopathy. Identifiers: Orphanet 266, Orphanet 268129, MedGen C3714934, MONDO:0012215, OMIM 609200.

Submission:

Labcorp Genetics (formerly Invitae), Labcorp
Classification: Uncertain significance for Myofibrillar myopathy 3. Last evaluated: 2022-04-08. Review status: criteria provided, single submitter. Criteria: Invitae Variant Classification Sherloc (09022015). Collection method: clinical testing. Allele origin: germline.
Comment: This sequence change creates a premature translational stop signal (p.Gln122*) in the MYOT gene. It is expected to result in an absent or disrupted protein product. However, the current clinical and genetic evidence is not sufficient to establish whether loss-of-function variants in MYOT cause disease. This variant is not present in population databases (gnomAD no frequency). This variant has not been reported in the literature in individuals affected with MYOT-related conditions. Algorithms developed to predict the effect of sequence changes on RNA splicing suggest that this variant may disrupt the consensus splice site. In summary, the available evidence is currently insufficient to determine the role of this variant in disease. Therefore, it has been classified as a Variant of Uncertain Significance.

NM_006790.3(MYOT):c.364C>T (p.Gln122Ter)

Genes: PKD2L2-DT (PKD2L2 divergent transcript; minus strand), MYOT (myotilin; plus strand). Cytogenetic location: 5q31.2.
Variant type: single nucleotide variant.
Coding change: c.364C>T on transcript NM_006790.3 (MANE Select); coding-DNA position 364, C replaced by T.
Protein change: p.Gln122Ter; replaces glutamine 122 with a stop codon.
Molecular consequence: nonsense. On other transcripts: 5 prime UTR variant (1).
Genome position (GRCh38, 1-based): chr5:137,875,836, C>T. VCF-style: chr5-137875836-C-T. GRCh37 (hg19) VCF-style: chr5-137211525-C-T.
Other names: c.-189C>T (NM_001135940.2); c.19C>T, p.Gln7Ter (NM_001300911.2); short protein forms Q7*, Q122*.
Identifiers: ClinVar variation 2150491 (VCV002150491.4), dbSNP rs2531999213, ClinGen allele CA361053924.